The following is an entry in ClinVar:

ClinVar aggregate classification (germline): Uncertain significance (1 of 4 stars; one submission).

Submission:

Labcorp Genetics (formerly Invitae), Labcorp
Classification: Uncertain significance. Last evaluated: 2021-11-01. Review status: criteria provided, single submitter. Criteria: Invitae Variant Classification Sherloc (09022015). Collection method: clinical testing. Allele origin: germline.
Comment: In summary, the available evidence is currently insufficient to determine the role of this variant in disease. Therefore, it has been classified as a Variant of Uncertain Significance. Algorithms developed to predict the effect of missense changes on protein structure and function (SIFT, PolyPhen-2, Align-GVGD) all suggest that this variant is likely to be disruptive. This variant has not been reported in the literature in individuals affected with EYS-related conditions. This variant is not present in population databases (gnomAD no frequency). This sequence change replaces cysteine, which is neutral and slightly polar, with serine, which is neutral and polar, at codon 244 of the EYS protein (p.Cys244Ser).

NM_001142800.2(EYS):c.731G>C (p.Cys244Ser)

Gene: EYS (EGF-like photoreceptor maintenance factor; minus strand). Cytogenetic location: 6q12.
Variant type: single nucleotide variant.
Coding change: c.731G>C on transcript NM_001142800.2 (MANE Select); coding-DNA position 731, G replaced by C.
Protein change: p.Cys244Ser; replaces cysteine 244 with serine.
Molecular consequence: missense variant.
Genome position (GRCh38, 1-based): chr6:65,494,680, C>G on the plus strand (G>C on the coding strand, the complement: EYS is on the minus strand). VCF-style: chr6-65494680-C-G. GRCh37 (hg19) VCF-style: chr6-66204573-C-G.
Other names: c.731G>C, p.Cys244Ser (NM_001142801.2, NM_001292009.2, NM_198283.2); short protein forms C244S.
Identifiers: ClinVar variation 1510710 (VCV001510710.6), dbSNP rs1766174358, ClinGen allele CA364789257.